The following is an entry in ClinVar:

NM_001555.5(IGSF1):c.2971T>G (p.Cys991Gly)

Gene: IGSF1 (immunoglobulin superfamily member 1; minus strand). Cytogenetic location: Xq26.1.
Variant type: single nucleotide variant.
Coding change: c.2971T>G on transcript NM_001555.5 (MANE Select); coding-DNA position 2971, T replaced by G.
Protein change: p.Cys991Gly; replaces cysteine 991 with glycine.
Molecular consequence: missense variant.
Genome position (GRCh38, 1-based): chrX:131,275,691, A>C on the plus strand (T>G on the coding strand, the complement: IGSF1 is on the minus strand). VCF-style: chrX-131275691-A-C. GRCh37 (hg19) VCF-style: chrX-130409665-A-C.
Other names: c.2986T>G, p.Cys996Gly (NM_001170961.2, NM_001438811.1, NM_001438814.1); c.2944T>G, p.Cys982Gly (NM_001170962.2); c.2971T>G, p.Cys991Gly (NM_001438812.1, NM_001438813.1, NM_001438815.1); short protein forms C982G, C991G, C996G.
Identifiers: ClinVar variation 4855351 (VCV004855351.1).

ClinVar aggregate classification (germline): Uncertain significance (1 of 4 stars; one submission).

Conditions:
X-linked central congenital hypothyroidism with late-onset testicular enlargement. Also called: Hypothyroidism, central, and testicular enlargement; HYPOTHYROIDISM, CENTRAL, WITH TESTICULAR ENLARGEMENT. Identifiers: Orphanet 329235, MedGen C3550963, MONDO:0010475, OMIM 300888.

Submission:

3billion
Classification: Uncertain significance for X-linked central congenital hypothyroidism with late-onset testicular enlargement. Last evaluated: 2025-07-08. Review status: criteria provided, single submitter. Criteria: ACMG Guidelines, 2015. Collection method: clinical testing. Allele origin: germline. Affected: yes.
Comment: The variant is not observed in the gnomAD v4.1.0 dataset. Predicted Consequence/Location: Missense variant. The majority of the known disease-causing variants of this gene are variants expected to result in premature termination of the protein. In silico tool predictions suggest damaging effect of the variant on gene or gene product [REVEL: 0.89 (>=0.6, sensitivity 0.68 and specificity 0.92)]. Therefore, this variant is classified as VUS according to the recommendation of ACMG/AMP guideline.